The following is an entry in ClinVar:

NM_017882.3(CLN6):c.297+117G>T

Gene: CLN6 (CLN6 transmembrane ER protein; minus strand). Cytogenetic location: 15q23.
Variant type: single nucleotide variant.
Coding change: c.297+117G>T on transcript NM_017882.3 (MANE Select); 117 bases into the intron after coding-DNA position 297, G replaced by T.
Molecular consequence: intron variant.
Genome position (GRCh38, 1-based): chr15:68,214,173, C>A on the plus strand (G>T on the coding strand, the complement: CLN6 is on the minus strand). VCF-style: chr15-68214173-C-A. GRCh37 (hg19) VCF-style: chr15-68506511-C-A.
Other names: c.297+117G>T (NM_017882.2); c.393+117G>T (NM_001411068.1).
Identifiers: ClinVar variation 4925650 (VCV004925650.2).

ClinVar aggregate classification (germline): Likely benign. Review status: criteria provided, multiple submitters, no conflicts (2 of 4 stars). 2 submissions from 2 submitters: Likely benign (2). Last evaluated 2026-03-12.

Conditions:
CLN6-related disorder. Also called: CLN6-related condition.

gnomAD v4.1: 416 of 801,758 alleles (0.052%); highest among the groups gnomAD compares: Admixed American, 0.16%; 1 homozygote.

Submissions (2):

PreventionGenetics, part of Exact Sciences
Classification: Likely benign for CLN6-related condition. Last evaluated: 2026-03-12. Review status: criteria provided, single submitter. Criteria: ACMG Guidelines, 2015. Collection method: clinical testing. Allele origin: germline.
Comment: This variant is classified as likely benign based on ACMG/AMP sequence variant interpretation guidelines (Richards et al. 2015 PMID: 25741868, with internal and published modifications).

Blueprint Genetics
Classification: Likely benign. Last evaluated: 2024-11-05. Review status: criteria provided, single submitter. Criteria: ACMG Guidelines, 2015. Collection method: clinical testing. Allele origin: germline.